The following is an entry in ClinVar:

ClinVar aggregate classification (germline): Uncertain significance (1 of 4 stars; one submission).

Conditions:
Hereditary cancer-predisposing syndrome. Also called: Hereditary neoplastic syndrome; Hereditary Cancer Syndrome; Neoplastic Syndromes, Hereditary; Tumor predisposition. Identifiers: Orphanet 140162, MedGen C0027672, MeSH D009386, MONDO:0015356.

Submission:

Color Diagnostics, LLC DBA Color Health
Classification: Uncertain significance for Hereditary cancer-predisposing syndrome. Last evaluated: 2024-03-07. Review status: criteria provided, single submitter. Criteria: ACMG Guidelines, 2015. Collection method: clinical testing. Allele origin: germline.
Comment: This missense variant replaces leucine with valine at codon 260 of the RAD51D protein. Computational prediction suggests that this variant may not impact protein structure and function (internally defined REVEL score threshold <= 0.5, PMID: 27666373). To our knowledge, functional studies have not been reported for this variant. This variant has not been reported in individuals affected with hereditary cancer in the literature. This variant has not been identified in the general population by the Genome Aggregation Database (gnomAD). The available evidence is insufficient to determine the role of this variant in disease conclusively. Therefore, this variant is classified as a Variant of Uncertain Significance.

NM_002878.4(RAD51D):c.778C>G (p.Leu260Val)

Genes: RAD51D (RAD51 paralog D; minus strand), RAD51L3-RFFL (RAD51L3-RFFL readthrough; minus strand). Cytogenetic location: 17q12.
Variant type: single nucleotide variant.
Coding change: c.778C>G on transcript NM_002878.4 (MANE Select); coding-DNA position 778, C replaced by G.
Protein change: p.Leu260Val; replaces leucine 260 with valine.
Molecular consequence: missense variant. On other transcripts: non-coding transcript variant (3).
Genome position (GRCh38, 1-based): chr17:35,101,326, G>C on the plus strand (C>G on the coding strand, the complement: RAD51D is on the minus strand). VCF-style: chr17-35101326-G-C. GRCh37 (hg19) VCF-style: chr17-33428345-G-C.
Other names: c.838C>G, p.Leu280Val (NM_001142571.2); c.442C>G, p.Leu148Val (NM_133629.3); short protein forms L260V, L148V, L280V.
Identifiers: ClinVar variation 2774203 (VCV002774203.2), dbSNP rs2142412146, ClinGen allele CA399086876.